The following is an entry in ClinVar:

NM_025179.4(PLXNA2):c.894C>T (p.Phe298=)

Gene: PLXNA2 (plexin A2; minus strand). Cytogenetic location: 1q32.2.
Variant type: single nucleotide variant.
Coding change: c.894C>T on transcript NM_025179.4 (MANE Select); coding-DNA position 894, C replaced by T.
Protein change: p.Phe298=; no amino-acid change (phenylalanine 298 retained).
Molecular consequence: synonymous variant.
Genome position (GRCh38, 1-based): chr1:208,217,029, G>A on the plus strand (C>T on the coding strand, the complement: PLXNA2 is on the minus strand). VCF-style: chr1-208217029-G-A. GRCh37 (hg19) VCF-style: chr1-208390374-G-A.
Identifiers: ClinVar variation 3037100 (VCV003037100.3), dbSNP rs555400028, ClinGen allele CA1374011.

ClinVar aggregate classification (germline): Likely benign. Review status: criteria provided, single submitter (1 of 4 stars). 2 submissions from 2 submitters: Likely benign (1). 1 of the submissions does not count toward it. Last evaluated 2025-08-25.

Conditions:
PLXNA2-related disorder. Also called: PLXNA2-related condition.

Allele frequency attached by ClinVar (database versions not stated): ExAC 0.00001; gnomAD exomes 0.00001; gnomAD 0.00007; TOPMed 0.00013; 1000 Genomes Project 30x 0.00016; 1000 Genomes Project 0.00020.
gnomAD v4.1: 26 of 1,611,960 alleles (0.0016%); highest among the groups gnomAD compares: Admixed American, 0.02%; no homozygotes.

Submissions (2):

Labcorp Genetics (formerly Invitae), Labcorp
Classification: Likely benign. Last evaluated: 2025-08-25. Review status: criteria provided, single submitter. Criteria: Invitae Variant Classification Sherloc (09022015). Collection method: clinical testing. Allele origin: germline.

PreventionGenetics, part of Exact Sciences
Classification: Likely benign for PLXNA2-related condition. Last evaluated: 2021-08-19. Review status: no assertion criteria provided. Collection method: clinical testing. Allele origin: germline. Not counted in ClinVar's aggregate classification.
Comment: This variant is classified as likely benign based on ACMG/AMP sequence variant interpretation guidelines (Richards et al. 2015 PMID: 25741868, with internal and published modifications).